The following is an entry in ClinVar:

ClinVar aggregate classification (germline): Conflicting classifications of pathogenicity. Review status: criteria provided, conflicting classifications (1 of 4 stars). 4 submissions from 4 submitters: Likely pathogenic (2); Uncertain significance (2). Last evaluated 2025-10-31.

Conditions:
RAD51C-related disorder. Also called: RAD51C-related disorders; RAD51C-related condition.
RAD51C-related cancer predisposition. Identifiers: MedGen CN377762, MONDO:0700273.
Hereditary cancer-predisposing syndrome. Also called: Neoplastic Syndromes, Hereditary; Tumor predisposition; Hereditary Cancer Syndrome; Hereditary neoplastic syndrome. Identifiers: Orphanet 140162, MedGen C0027672, MeSH D009386, MONDO:0015356.
Fanconi anemia complementation group O. Also called: RAD51C-Related Fanconi Anemia. Identifiers: Orphanet 84, MedGen C3150653, MONDO:0013248, OMIM 613390.

Submissions (4):

Labcorp Genetics (formerly Invitae), Labcorp
Classification: Likely pathogenic for Fanconi anemia complementation group O. Last evaluated: 2025-10-31. Review status: criteria provided, single submitter. Criteria: Invitae Variant Classification Sherloc (09022015). Collection method: clinical testing. Allele origin: germline.
Comment: This sequence change creates a premature translational stop signal (p.Ser353Hisfs*8) in the RAD51C gene. While this is not anticipated to result in nonsense mediated decay, it is expected to disrupt the last 24 amino acid(s) of the RAD51C protein. This variant is not present in population databases (gnomAD no frequency). This premature translational stop signal has been observed in individual(s) with gastric cancer and prostate cancer (PMID: 28767289, 32338768). ClinVar contains an entry for this variant (Variation ID: 409862). This variant disrupts the nuclear localization signal (NLS) of the RAD51C protein, which is important for proper localization and function of the RAD51C protein (PMID:12966089). While functional studies have not been performed to directly test the effect of this variant on RAD51C protein function, this suggests that disruption of this region of the protein is causative of disease. In summary, the currently available evidence indicates that the variant is pathogenic, but additional data are needed to prove that conclusively. Therefore, this variant has been classified as Likely Pathogenic.

Ambry Genetics
Classification: Uncertain significance for Hereditary cancer-predisposing syndrome. Last evaluated: 2025-07-16. Review status: criteria provided, single submitter. Criteria: Ambry Variant Classification Scheme 2023. Collection method: clinical testing. Allele origin: germline.
Comment: The c.1057_1066del10 variant, located in coding exon 9 of the RAD51C gene, results from a deletion of 10 nucleotides at nucleotide positions 1057 to 1066, causing a translational frameshift with a predicted alternate stop codon (p.S353Hfs*8). This alteration occurs at the 3' terminus of theRAD51C gene, is not expected to trigger nonsense-mediated mRNAdecay, and only impacts the last 24 amino acids of the protein. The exact functional effect of this alteration is unknown. Based on the available evidence, the clinical significance of this variant remains unclear.

PreventionGenetics, part of Exact Sciences
Classification: Uncertain significance for RAD51C-related condition. Last evaluated: 2025-03-12. Review status: criteria provided, single submitter. Criteria: ACMG Guidelines, 2015. Collection method: clinical testing. Allele origin: germline.
Comment: The RAD51C c.1057_1066del10 variant is predicted to result in a frameshift and premature protein termination (p.Ser353Hisfs*8). This variant has been reported in an individual with gastrointestinal stromal tumor (GIST, Shindo et al. 2017. PubMed ID: 28767289) and in an individual with non-aggressive prostate cancer who also carried an ATM variant (Nguyen-Dumont et al. 2020. PubMed ID: 32338768). This variant resides in the final exon of this gene, and it is unclear if the resulting mRNA would undergo nonsense-mediated decay. A functional study suggested that variants that disrupt the C terminal, such as this variant, significantly impact protein function (French et al. 2003. PubMed ID:12966089). However, functional studies have not been done to directly analyze the impact of this variant on protein function. This variant has not been reported in a large population database (gnomAD), indicating this variant is rare. Although we suspect that this variant may be pathogenic, at this time, the clinical significance of this variant is uncertain due to the absence of conclusive functional and genetic evidence.

Institute for Genomic Medicine (IGM) Clinical Laboratory, Nationwide Children's Hospital
Classification: Likely pathogenic for RAD51C-related cancer predisposition. Last evaluated: 2024-12-13. Review status: criteria provided, single submitter. Criteria: ACMG Guidelines, 2015. Collection method: clinical testing. Allele origin: germline.
Comment: This variant is predicted to result in loss of function through nonsense-mediated decay of the encoded transcript or premature truncation of the encoded protein in a gene in which loss of function is a known mechanism of disease (ACMG/AMP: PVS1_Moderate). Well-established functional studies have demonstrated this variant to have a damaging effect on protein function or splicing (ACMG/AMP: PS3_Supporting; PMID:12966089). This variant has been reported at an elevated frequency in affected individuals/in multiple affected individuals in the literature (ACMG/AMP: PS4_Supporting; PMID:28767289). This variant is absent from or present at an exceedingly low frequency in gnomAD, a large-scale control population database (ACMG/AMP: PM2).

Literature cited by the submitters: PubMed 28767289 (cited by 3 submitters); PubMed 32338768 (cited by Labcorp Genetics (formerly Invitae), Labcorp); PubMed 12966089 (cited by Labcorp Genetics (formerly Invitae), Labcorp and Institute for Genomic Medicine (IGM) Clinical Laboratory, Nationwide Children's Hospital).

NM_058216.3(RAD51C):c.1057_1066del (p.Ser353fs)

Gene: RAD51C (RAD51 paralog C; plus strand). Cytogenetic location: 17q22.
Variant type: Deletion.
Coding change: c.1057_1066del on transcript NM_058216.3 (MANE Select); coding-DNA positions 1057 to 1066, 10 bases deleted (TCTGCATGTT; older notation c.1057_1066delTCTGCATGTT).
Protein change: p.Ser353fs; shifts the reading frame from serine 353.
Molecular consequence: frameshift variant. On other transcripts: non-coding transcript variant (1).
Genome position (GRCh38, 1-based): chr17:58,734,148-58,734,157, TCTGCATGTT deleted; deleting any 10 consecutive bases within chr17:58,734,147-58,734,157 gives the same sequence; the c. name uses the placement nearest the transcript's 3' end. VCF-style (leftmost placement, unchanged base first): chr17-58734146-CTTCTGCATGT-C. GRCh37 (hg19) VCF-style: chr17-56811507-CTTCTGCATGT-C.
Other names: c.1057_1066del (NM_058216.2); c.1057_1066del10 (NM_058216.2); short protein forms S353fs.
Identifiers: ClinVar variation 409862 (VCV000409862.18), dbSNP rs1064792966, ClinGen allele CA16615755.
Genomic context (GRCh38, chr17:58,734,146, plus strand): 5'-GCATATTTGTATATATATTTTTTATCTTTCAGCCTCAGGGATTTAGAGATACTGTTGTTA[CTTCTGCATGT>C]TCATTGCAAACAGAAGGTTCCTTGAGCACCCGGAAACGGTCACGAGACCCAGAGGAAGAA-3'